The following is an entry in ClinVar:

ClinVar aggregate classification (germline): Uncertain significance. Review status: criteria provided, multiple submitters, no conflicts (2 of 4 stars). 2 submissions from 2 submitters: Uncertain significance (2). Last evaluated 2024-03-01.

Conditions:
Ehlers-Danlos syndrome, type 4 (EDSVASC). Also called: Ehlers-Danlos syndrome vascular type; Ehlers Danlos syndrome, ecchymotic type; Ehlers Danlos syndrome, arterial type; Ehlers Danlos syndrome, Sack-Barabas type; Ehlers-Danlos Syndrome Type IV. Identifiers: Orphanet 286, MedGen C0268338, MONDO:0017314, OMIM 130050.

Submissions (2):

Labcorp Genetics (formerly Invitae), Labcorp
Classification: Uncertain significance for Ehlers-Danlos syndrome, type 4. Last evaluated: 2024-03-01. Review status: criteria provided, single submitter. Criteria: Invitae Variant Classification Sherloc (09022015). Collection method: clinical testing. Allele origin: germline.
Comment: This sequence change replaces proline, which is neutral and non-polar, with arginine, which is basic and polar, at codon 89 of the COL3A1 protein (p.Pro89Arg). This variant is not present in population databases (gnomAD no frequency). This variant has not been reported in the literature in individuals affected with COL3A1-related conditions. ClinVar contains an entry for this variant (Variation ID: 199709). Advanced modeling of protein sequence and biophysical properties (such as structural, functional, and spatial information, amino acid conservation, physicochemical variation, residue mobility, and thermodynamic stability) performed at Invitae indicates that this missense variant is not expected to disrupt COL3A1 protein function with a negative predictive value of 95%. In summary, the available evidence is currently insufficient to determine the role of this variant in disease. Therefore, it has been classified as a Variant of Uncertain Significance.

GeneDx
Classification: Uncertain significance. Last evaluated: 2014-08-19. Review status: criteria provided, single submitter. Criteria: GeneDx Variant Classification (06012015). Collection method: clinical testing. Allele origin: germline. Affected: yes.
Comment: p.Pro89Arg (CCA>CGA): c.266 C>G in exon 2 of the COL3A1 gene (NM_000090.3) At least 95% of patients with autosomal dominant Ehlers-Danlos syndrome (EDS) type IV have been reported to have a mutation in the COL3A1 gene (Pepin M et al., 2011). The P89R variant has not been published as a mutation, nor has it been reported as a benign polymorphism to our knowledge. The P89R variant was not observed in approximately 6,500 individuals of European and African American ancestry in the NHLBI Exome Sequencing Project, indicating it is not a common benign variant in these populations. The P89R variant is a non-conservative amino acid substitution, which is likely to impact secondary protein structure as these residues differ in polarity, charge, size and/or other properties. This substitution occurs at a position that is conserved in mammals. However, in silico analysis is inconsistent in its predictions as to whether or not the variant is damaging to the protein structure/function. Furthermore, no missense mutations in nearby residues have been reported in association with EDS, indicating that this region of the protein may be tolerant of change. Therefore, based on the currently available information, it is unclear whether this variant is a pathogenic mutation or a rare benign variant. The variant is found in TAAD panel(s).

NM_000090.4(COL3A1):c.266C>G (p.Pro89Arg)

Gene: COL3A1 (collagen type III alpha 1 chain; plus strand). Cytogenetic location: 2q32.2.
Variant type: single nucleotide variant.
Coding change: c.266C>G on transcript NM_000090.4 (MANE Select); coding-DNA position 266, C replaced by G.
Protein change: p.Pro89Arg; replaces proline 89 with arginine.
Molecular consequence: missense variant.
Genome position (GRCh38, 1-based): chr2:188,984,946, C>G. VCF-style: chr2-188984946-C-G. GRCh37 (hg19) VCF-style: chr2-189849672-C-G.
Other names: p.P89R:CCA>CGA; short protein forms P89R.
Identifiers: ClinVar variation 199709 (VCV000199709.4), dbSNP rs139610730, ClinGen allele CA005590.